The following is an entry in ClinVar:

ClinVar aggregate classification (germline): Uncertain significance. Review status: criteria provided, multiple submitters, no conflicts (2 of 4 stars). 2 submissions from 2 submitters: Uncertain significance (2). Last evaluated 2026-08-06.

Conditions:
Autosomal dominant nonsyndromic hearing loss 6 (LFSNHL). Also called: DEAFNESS, AUTOSOMAL DOMINANT 6; DEAFNESS, AUTOSOMAL DOMINANT 14; DEAFNESS, AUTOSOMAL DOMINANT 38; Autosomal dominant nonsyndromic deafness 6. Identifiers: Orphanet 90635, MedGen C1833021, MONDO:0010963, OMIM 600965.
WFS1-related disorder. Identifiers: MedGen CN379391, MONDO:0700293.

gnomAD v4.1: 7 of 1,612,016 alleles (0.00043%); highest among the groups gnomAD compares: African/African-American, 0.0067%; no homozygotes.

Submissions (2):

OLLIN Analises Genomicas, OLLIN
Classification: Uncertain significance for Autosomal dominant nonsyndromic hearing loss 6. Last evaluated: 2026-08-06. Review status: criteria provided, single submitter. Criteria: ACMG Guidelines 2015 PMID 25741868. Collection method: clinical testing. Allele origin: germline. Inheritance: Autosomal dominant inheritance.
Comment: This missense variant, located in exon 8 (of 8), has been reported in ClinVar (accession VCV001403563.8) and in gnomAD with an allele frequency of 0.00043%. However, to our knowledge, it has not been reported in the scientific literature. In silico analysis is inconclusive regarding the impact of this variant. According to the currently available evidence, this variant has been classified as uncertain significance (PM2_P).

PreventionGenetics, part of Exact Sciences
Classification: Uncertain significance for WFS1-related condition. Last evaluated: 2025-09-14. Review status: criteria provided, single submitter. Criteria: ACMG Guidelines, 2015. Collection method: clinical testing. Allele origin: germline.
Comment: The WFS1 c.1550G>T variant is predicted to result in the amino acid substitution p.Arg517Leu. To our knowledge, this variant has not been reported in the literature or in a large population database (gnomAD), indicating this variant is rare. At this time, the clinical significance of this variant is uncertain due to the absence of conclusive functional and genetic evidence.

NM_006005.3(WFS1):c.1550G>T (p.Arg517Leu)

Gene: WFS1 (wolframin ER transmembrane glycoprotein; plus strand). Cytogenetic location: 4p16.1.
Variant type: single nucleotide variant.
Coding change: c.1550G>T on transcript NM_006005.3 (MANE Select); coding-DNA position 1550, G replaced by T.
Protein change: p.Arg517Leu; replaces arginine 517 with leucine.
Molecular consequence: missense variant.
Genome position (GRCh38, 1-based): chr4:6,301,345, G>T. VCF-style: chr4-6301345-G-T. GRCh37 (hg19) VCF-style: chr4-6303072-G-T.
Other names: c.1550G>T, p.Arg517Leu (NM_001145853.1); short protein forms R517L.
Identifiers: ClinVar variation 4985364 (VCV004985364.1).